The following is an entry in ClinVar:

ClinVar aggregate classification (germline): Likely benign (0 of 4 stars; one submission).

Conditions:
ARHGEF28-related disorder. Also called: ARHGEF28-related condition.

gnomAD v4.1: 4 of 1,590,950 alleles (0.00025%); highest among the groups gnomAD compares: Middle Eastern, 0.05%; no homozygotes.

Submission:

PreventionGenetics, part of Exact Sciences
Classification: Likely benign for ARHGEF28-related condition. Last evaluated: 2021-06-07. Review status: no assertion criteria provided. Collection method: clinical testing. Allele origin: germline.
Comment: This variant is classified as likely benign based on ACMG/AMP sequence variant interpretation guidelines (Richards et al. 2015 PMID: 25741868, with internal and published modifications).

NM_001177693.2(ARHGEF28):c.2152+10G>A

Gene: ARHGEF28 (Rho guanine nucleotide exchange factor 28; plus strand). Cytogenetic location: 5q13.2.
Variant type: single nucleotide variant.
Coding change: c.2152+10G>A on transcript NM_001177693.2 (MANE Select); 10 bases into the intron after coding-DNA position 2152, G replaced by A.
Molecular consequence: intron variant.
Genome position (GRCh38, 1-based): chr5:73,866,023, G>A. VCF-style: chr5-73866023-G-A. GRCh37 (hg19) VCF-style: chr5-73161848-G-A.
Other names: c.2152+10G>A (NM_001080479.3, NM_001388078.1); c.1858+10G>A (NM_001388076.1); c.1213+10G>A (NM_001244364.2).
Identifiers: ClinVar variation 3030187 (VCV003030187.2), dbSNP rs759955148, ClinGen allele CA120875608.